The following is an entry in ClinVar:

NM_053025.4(MYLK):c.681C>G (p.Asp227Glu)

Gene: MYLK (myosin light chain kinase; minus strand). Cytogenetic location: 3q21.1.
Variant type: single nucleotide variant.
Coding change: c.681C>G on transcript NM_053025.4 (MANE Select); coding-DNA position 681, C replaced by G.
Protein change: p.Asp227Glu; replaces aspartic acid 227 with glutamic acid.
Molecular consequence: missense variant.
Genome position (GRCh38, 1-based): chr3:123,737,451, G>C on the plus strand (C>G on the coding strand, the complement: MYLK is on the minus strand). VCF-style: chr3-123737451-G-C. GRCh37 (hg19) VCF-style: chr3-123456298-G-C.
Other names: c.153C>G, p.Asp51Glu (NM_001321309.2); c.681C>G, p.Asp227Glu (NM_053026.4, NM_053027.4, NM_053028.4); short protein forms D227E, D51E.
Identifiers: ClinVar variation 3777282 (VCV003777282.1).
Genomic context (GRCh38, chr3:123,737,451, plus strand): 5'-TTCAGCTGACATCGAGGCCTTCCCCGACCCGTTCACCACCAGGCACGTGTACACTCCCAC[G>C]TCATCTTGGTTGACTCCATGGATTTCCAGAACCTGCATGCCGTTCTTCTCAGACACAGAC-3'
Protein context (NP_444253.3, residues 217-237): VLEIHGVNQD[Asp227Glu]VGVYTCLVVN

ClinVar aggregate classification (germline): Uncertain significance (1 of 4 stars; one submission).

gnomAD v4.1: 1 of 1,614,180 alleles (0.000062%); highest among the groups gnomAD compares: Non-Finnish European, 0.000085%; no homozygotes.

Submission:

GeneDx
Classification: Uncertain significance. Last evaluated: 2024-10-14. Review status: criteria provided, single submitter. Criteria: GeneDx Variant Classification Process June 2021. Collection method: clinical testing. Allele origin: germline. Affected: yes.
Comment: Not observed at significant frequency in large population cohorts (gnomAD); In silico analysis supports a deleterious effect on splicing; In silico analysis indicates that this missense variant does not alter protein structure/function; Has not been previously published as pathogenic or benign to our knowledge